The following is an entry in ClinVar:

ClinVar aggregate classification (germline): Pathogenic/Likely pathogenic. Review status: criteria provided, multiple submitters, no conflicts (2 of 4 stars). 2 submissions from 2 submitters: Pathogenic (1); Likely pathogenic (1). Last evaluated 2024-06-10.

Conditions:
TBCE-related disorder. Also called: TBCE-related disorders; TBCE-related condition.

Allele frequency attached by ClinVar (database versions not stated): gnomAD exomes below 0.00001.

Submissions (2):

Blueprint Genetics
Classification: Likely pathogenic for TBCE-related disorders. Last evaluated: 2024-06-10. Review status: criteria provided, single submitter. Criteria: ACMG Guidelines, 2015. Collection method: clinical testing. Allele origin: germline. Affected: yes. Observed: 5 variant alleles.

Labcorp Genetics (formerly Invitae), Labcorp
Classification: Pathogenic. Last evaluated: 2023-05-16. Review status: criteria provided, single submitter. Criteria: Invitae Variant Classification Sherloc (09022015). Collection method: clinical testing. Allele origin: germline.
Comment: This sequence change creates a premature translational stop signal (p.Leu234Serfs*24) in the TBCE gene. It is expected to result in an absent or disrupted protein product. Loss-of-function variants in TBCE are known to be pathogenic (PMID: 27666369, 34134906, 34356170). This variant is not present in population databases (gnomAD no frequency). This variant has not been reported in the literature in individuals affected with TBCE-related conditions. For these reasons, this variant has been classified as Pathogenic.

Literature cited by the submitters: PubMed 27666369 (cited by Labcorp Genetics (formerly Invitae), Labcorp); PubMed 34134906 (cited by Labcorp Genetics (formerly Invitae), Labcorp); PubMed 34356170 (cited by Labcorp Genetics (formerly Invitae), Labcorp).

NM_003193.5(TBCE):c.700del (p.Leu234fs)

Gene: TBCE (tubulin folding cofactor E; plus strand). Cytogenetic location: 1q42.3.
Variant type: Deletion.
Coding change: c.700del on transcript NM_003193.5 (MANE Select); coding-DNA position 700, one base deleted (C; older notation c.700delC).
Protein change: p.Leu234fs; shifts the reading frame from leucine 234.
Molecular consequence: frameshift variant.
Genome position (GRCh38, 1-based): chr1:235,434,243, C deleted. VCF-style (leftmost placement, unchanged base first): chr1-235434242-AC-A. GRCh37 (hg19) VCF-style: chr1-235597557-AC-A.
Other names: c.700del, p.Leu234fs (NM_001079515.3); c.853del, p.Leu285fs (NM_001287801.2); c.361del, p.Leu121fs (NM_001287802.2); short protein forms L121fs, L234fs, L285fs.
Identifiers: ClinVar variation 2786232 (VCV002786232.4), dbSNP rs2527028214, ClinGen allele CA2574159339.
Genomic context (GRCh38, chr1:235,434,242, plus strand): 5'-CTGAACCGAGTTTCTCTTCCAGGTGCTGCGGTGTGTCGCGGGGTGCCCAGGCCTGGAGGA[AC>A]TCTACCTTGAGTCTAACAACATTTTCATTTCCGAAAGGTAACTAGCACTTACTTAAATGC-3'